The following is an entry in ClinVar:

NM_001378778.1(MPDZ):c.5828A>T (p.Gln1943Leu)

Gene: MPDZ (multiple PDZ domain crumbs cell polarity complex component; minus strand). Cytogenetic location: 9p23.
Variant type: single nucleotide variant.
Coding change: c.5828A>T on transcript NM_001378778.1 (MANE Select); coding-DNA position 5828, A replaced by T.
Protein change: p.Gln1943Leu; replaces glutamine 1943 with leucine.
Molecular consequence: missense variant.
Genome position (GRCh38, 1-based): chr9:13,110,637, T>A on the plus strand (A>T on the coding strand, the complement: MPDZ is on the minus strand). VCF-style: chr9-13110637-T-A. GRCh37 (hg19) VCF-style: chr9-13110636-T-A.
Other names: c.5729A>T, p.Gln1910Leu (NM_001261406.2, NM_001375416.1, NM_001375417.1 and 1 more transcripts); c.5642A>T, p.Gln1881Leu (NM_001261407.2, NM_001375419.1); c.5828A>T, p.Gln1943Leu (NM_001330637.2); c.5927A>T, p.Gln1976Leu (NM_001375413.1); c.5618A>T, p.Gln1873Leu (NM_001375420.1, NM_001375421.1, NM_001375422.1 and 2 more transcripts); c.5531A>T, p.Gln1844Leu (NM_001375425.1, NM_001375426.1); c.5420A>T, p.Gln1807Leu (NM_001375427.1); c.5741A>T, p.Gln1914Leu (NM_003829.5); and 1 more; short protein forms Q1881L, Q1910L, Q1914L, Q1844L, Q1976L, Q1873L, Q1943L, Q1807L.
Identifiers: ClinVar variation 1385862 (VCV001385862.5), dbSNP rs75560250, ClinGen allele CA4986103.

ClinVar aggregate classification (germline): Uncertain significance. Review status: criteria provided, multiple submitters, no conflicts (2 of 4 stars). 3 submissions from 3 submitters: Uncertain significance (3). Last evaluated 2024-04-19.

Conditions:
Inborn genetic diseases. Identifiers: MedGen C0950123, MeSH D030342.

Allele frequency attached by ClinVar (database versions not stated): ExAC 0.00004; gnomAD 0.00009 and 0.00010; gnomAD exomes 0.00003; TOPMed 0.00012; 1000 Genomes Project 30x 0.00031.
gnomAD v4.1: 42 of 1,612,290 alleles (0.0026%); highest among the groups gnomAD compares: Middle Eastern, 0.05%; no homozygotes.

Submissions (3):

Ambry Genetics
Classification: Uncertain significance for Inborn genetic diseases. Last evaluated: 2024-04-19. Review status: criteria provided, single submitter. Criteria: Ambry Variant Classification Scheme 2023. Collection method: clinical testing. Allele origin: germline.

GeneDx
Classification: Uncertain significance. Last evaluated: 2023-06-15. Review status: criteria provided, single submitter. Criteria: GeneDx Variant Classification Process June 2021. Collection method: clinical testing. Allele origin: germline. Affected: yes.
Comment: Has not been previously published as pathogenic or benign to our knowledge; In silico analysis, which includes protein predictors and evolutionary conservation, supports a deleterious effect

Labcorp Genetics (formerly Invitae), Labcorp
Classification: Uncertain significance. Last evaluated: 2022-06-08. Review status: criteria provided, single submitter. Criteria: Invitae Variant Classification Sherloc (09022015). Collection method: clinical testing. Allele origin: germline.
Comment: This sequence change replaces glutamine, which is neutral and polar, with leucine, which is neutral and non-polar, at codon 1914 of the MPDZ protein (p.Gln1914Leu). This variant is present in population databases (rs75560250, gnomAD 0.05%). This missense change has been observed in individual(s) with clinical features of retinitis pigmentosa (Invitae). Algorithms developed to predict the effect of missense changes on protein structure and function (SIFT, PolyPhen-2, Align-GVGD) all suggest that this variant is likely to be disruptive. In summary, the available evidence is currently insufficient to determine the role of this variant in disease. Therefore, it has been classified as a Variant of Uncertain Significance.